The following is an entry in ClinVar:

NM_001933.5(DLST):c.203A>G (p.Asp68Gly)

Gene: DLST (dihydrolipoamide S-succinyltransferase; plus strand). Cytogenetic location: 14q24.3.
Variant type: single nucleotide variant.
Coding change: c.203A>G on transcript NM_001933.5 (MANE Select); coding-DNA position 203, A replaced by G.
Protein change: p.Asp68Gly; replaces aspartic acid 68 with glycine.
Molecular consequence: missense variant. On other transcripts: non-coding transcript variant (2).
Genome position (GRCh38, 1-based): chr14:74,889,278, A>G. VCF-style: chr14-74889278-A-G. GRCh37 (hg19) VCF-style: chr14-75355981-A-G.
Other names: c.203A>G, p.Asp68Gly (NM_001244883.2); short protein forms D68G.
Identifiers: ClinVar variation 4750746 (VCV004750746.1).

ClinVar aggregate classification (germline): Uncertain significance (1 of 4 stars; one submission).

gnomAD v4.1: 38 of 1,612,250 alleles (0.0024%); highest among the groups gnomAD compares: East Asian, 0.082%; no homozygotes.

Submission:

Labcorp Genetics (formerly Invitae), Labcorp
Classification: Uncertain significance. Last evaluated: 2025-11-20. Review status: criteria provided, single submitter. Criteria: Invitae Variant Classification Sherloc (09022015). Collection method: clinical testing. Allele origin: germline.
Comment: This sequence change replaces aspartic acid, which is acidic and polar, with glycine, which is neutral and non-polar, at codon 68 of the DLST protein (p.Asp68Gly). This variant is present in population databases (rs200375753, gnomAD 0.04%). This variant has not been reported in the literature in individuals affected with DLST-related conditions. Experimental studies and prediction algorithms are not available or were not evaluated, and the functional significance of this variant is currently unknown. In summary, the available evidence is currently insufficient to determine the role of this variant in disease. Therefore, it has been classified as a Variant of Uncertain Significance.